The following is an entry in ClinVar:

ClinVar aggregate classification (germline): Uncertain significance (1 of 4 stars; one submission).

Conditions:
Fanconi anemia (FA). Also called: Fanconi's anemia. Identifiers: Orphanet 84, MedGen C0015625, MeSH D005199, MONDO:0019391.

gnomAD v4.1: 2 of 1,613,862 alleles (0.00012%); no homozygotes.

Submission:

Sema4
Classification: Uncertain significance for Fanconi anemia. Last evaluated: 2021-05-12. Review status: criteria provided, single submitter. Criteria: Sema4 Curation Guidelines. Collection method: curation. Allele origin: germline.
Comment: The FANCA c.2023G>A (p.A675T) variant has not been reported in the literature to our knowledge. It was not observed in the large and broad cohorts of the Genome Aggregation Database (PMID: 32461654), nor has it been reported in ClinVar. In silico tools suggest the impact of the variant on protein function is inconclusive, though these predictions have not been confirmed by functional studies. The evidence is insufficient to meet ACMG/AMP criteria for classifying the variant as benign or pathogenic. Thus, the clinical significance of this variant is currently uncertain.

NM_000135.4(FANCA):c.2023G>A (p.Ala675Thr)

Gene: FANCA (FA complementation group A; minus strand). Cytogenetic location: 16q24.3.
Variant type: single nucleotide variant.
Coding change: c.2023G>A on transcript NM_000135.4 (MANE Select); coding-DNA position 2023, G replaced by A.
Protein change: p.Ala675Thr; replaces alanine 675 with threonine.
Molecular consequence: missense variant.
Genome position (GRCh38, 1-based): chr16:89,771,806, C>T on the plus strand (G>A on the coding strand, the complement: FANCA is on the minus strand). VCF-style: chr16-89771806-C-T. GRCh37 (hg19) VCF-style: chr16-89838214-C-T.
Other names: c.2023G>A, p.Ala675Thr (NM_001286167.3); short protein forms A675T.
Identifiers: ClinVar variation 1692205 (VCV001692205.1), dbSNP rs752701423, ClinGen allele CA397448738.